The following is an entry in ClinVar:

ClinVar aggregate classification (germline): Uncertain significance (1 of 4 stars; one submission).

Allele frequency attached by ClinVar (database versions not stated): TOPMed below 0.00001.
gnomAD v4.1: 1 of 1,608,206 alleles (0.000062%); highest among the groups gnomAD compares: Admixed American, 0.0017%; no homozygotes.

Submission:

Labcorp Genetics (formerly Invitae), Labcorp
Classification: Uncertain significance. Last evaluated: 2022-02-19. Review status: criteria provided, single submitter. Criteria: Invitae Variant Classification Sherloc (09022015). Collection method: clinical testing. Allele origin: germline.
Comment: In summary, the available evidence is currently insufficient to determine the role of this variant in disease. Therefore, it has been classified as a Variant of Uncertain Significance. Algorithms developed to predict the effect of missense changes on protein structure and function (SIFT, PolyPhen-2, Align-GVGD) all suggest that this variant is likely to be tolerated. This variant has not been reported in the literature in individuals affected with CFHR5-related conditions. This variant is not present in population databases (gnomAD no frequency). This sequence change replaces glutamic acid, which is acidic and polar, with alanine, which is neutral and non-polar, at codon 512 of the CFHR5 protein (p.Glu512Ala).

NM_030787.4(CFHR5):c.1535A>C (p.Glu512Ala)

Gene: CFHR5 (complement factor H related 5; plus strand). Cytogenetic location: 1q31.3.
Variant type: single nucleotide variant.
Coding change: c.1535A>C on transcript NM_030787.4 (MANE Select); coding-DNA position 1535, A replaced by C.
Protein change: p.Glu512Ala; replaces glutamic acid 512 with alanine.
Molecular consequence: missense variant.
Genome position (GRCh38, 1-based): chr1:197,008,508, A>C. VCF-style: chr1-197008508-A-C. GRCh37 (hg19) VCF-style: chr1-196977638-A-C.
Other names: short protein forms E512A.
Identifiers: ClinVar variation 2084050 (VCV002084050.4), dbSNP rs1654350005, ClinGen allele CA343984790.